The following is an entry in ClinVar:

ClinVar aggregate classification (germline): Pathogenic/Likely pathogenic. Review status: criteria provided, multiple submitters, no conflicts (2 of 4 stars). 3 submissions from 3 submitters: Pathogenic (1); Likely pathogenic (1). 1 of the submissions does not count toward it. Last evaluated 2025-09-02.

Conditions:
Kennedy disease (SMAX1). Also called: KENNEDY SPINAL AND BULBAR MUSCULAR ATROPHY; SPINAL AND BULBAR MUSCULAR ATROPHY, X-LINKED 1; Spinal and Bulbar Muscular Atrophy. Identifiers: Orphanet 481, MedGen C1839259, MONDO:0010735, OMIM 313200.
Androgen resistance syndrome (AIS). Also called: Androgen insensitivity, complete; DIHYDROTESTOSTERONE RECEPTOR DEFICIENCY; Androgen insensitivity; Androgen insensitivity syndrome; ANDROGEN RECEPTOR DEFICIENCY; TESTICULAR FEMINIZATION SYNDROME. Identifiers: Orphanet 754, Orphanet 99429, MedGen C0039585, MONDO:0019154, OMIM 300068. Disease mechanism: loss of function.
Partial androgen insensitivity syndrome (PAIS). Also called: ANDROGEN INSENSITIVITY, PARTIAL, WITH OR WITHOUT BREAST CANCER; Reifenstein syndrome, partial; Androgen resistance syndrome, partial; Type I familial incomplete male pseudohermaphroditism; Partial Androgen Insensitivity Syndrome (PAIS); Reifenstein syndrome. Identifiers: Orphanet 90797, MedGen C0268301, MONDO:0010720, OMIM 312300.

Submissions (3):

Labcorp Genetics (formerly Invitae), Labcorp
Classification: Pathogenic for Kennedy disease; Androgen resistance syndrome. Last evaluated: 2025-09-02. Review status: criteria provided, single submitter. Criteria: Invitae Variant Classification Sherloc (09022015). Collection method: clinical testing. Allele origin: germline.
Comment: This sequence change replaces methionine, which is neutral and non-polar, with threonine, which is neutral and polar, at codon 808 of the AR protein (p.Met808Thr). This variant is not present in population databases (gnomAD no frequency). This missense change has been observed in individuals with clinical features of partial androgen insensitivity syndrome (PMID: 10543676; internal data). This variant is also known as M807T. ClinVar contains an entry for this variant (Variation ID: 9847). Invitae Evidence Modeling of protein sequence and biophysical properties (such as structural, functional, and spatial information, amino acid conservation, physicochemical variation, residue mobility, and thermodynamic stability) indicates that this missense variant is expected to disrupt AR protein function with a positive predictive value of 95%. Experimental studies have shown that this missense change affects AR function (PMID: 10543676). This variant disrupts the p.Met808 amino acid residue in AR. Other variant(s) that disrupt this residue have been observed in individuals with AR-related conditions (PMID: 7581399, 8281140, 10543676), which suggests that this may be a clinically significant amino acid residue. For these reasons, this variant has been classified as Pathogenic.

Revvity Omics, Revvity
Classification: Likely pathogenic. Last evaluated: 2022-07-05. Review status: criteria provided, single submitter. Criteria: ACMG Guidelines, 2015. Collection method: clinical testing. Allele origin: germline.

OMIM
Classification: Pathogenic for ANDROGEN INSENSITIVITY, PARTIAL. Last evaluated: 1999-10-23. Review status: no assertion criteria provided. Collection method: literature only. Allele origin: germline. Not counted in ClinVar's aggregate classification.

Literature cited by the submitters: PubMed 10543676 (cited by Labcorp Genetics (formerly Invitae), Labcorp and OMIM); PubMed 7581399 (cited by Labcorp Genetics (formerly Invitae), Labcorp); PubMed 8281140 (cited by Labcorp Genetics (formerly Invitae), Labcorp).

NM_000044.6(AR):c.2423T>C (p.Met808Thr)

Gene: AR (androgen receptor; plus strand). Cytogenetic location: Xq12.
Variant type: single nucleotide variant.
Coding change: c.2423T>C on transcript NM_000044.6 (MANE Select); coding-DNA position 2423, T replaced by C.
Protein change: p.Met808Thr; replaces methionine 808 with threonine.
Molecular consequence: missense variant.
Genome position (GRCh38, 1-based): chrX:67,721,937, T>C. VCF-style: chrX-67721937-T-C. GRCh37 (hg19) VCF-style: chrX-66941779-T-C.
Other names: M807T; c.827T>C, p.Met276Thr (NM_001011645.3); short protein forms M276T, M808T.
Identifiers: ClinVar variation 9847 (VCV000009847.6), dbSNP rs137852592, ClinGen allele CA120777.